The following is an entry in ClinVar:

ClinVar aggregate classification (germline): Uncertain significance. Review status: criteria provided, multiple submitters, no conflicts (2 of 4 stars). 7 submissions from 6 submitters: Uncertain significance (6). 1 of the submissions does not count toward it. Last evaluated 2024-11-07.

Conditions:
Ocular cystinosis. Also called: Non-Nephropathic (Ocular) Cystinosis; Non-Nephropathic Cystinosis. Identifiers: Orphanet 213, Orphanet 411641, MedGen C2931013, MONDO:0009064, OMIM 219750.
Juvenile nephropathic cystinosis. Also called: Later-Onset (Juvenile) Cystinosis; Intermediate Cystinosis; CYSTINOSIS, LATE-ONSET JUVENILE OR ADOLESCENT NEPHROPATHIC TYPE. Identifiers: Orphanet 213, Orphanet 411634, MedGen C0268626, MONDO:0009066, OMIM 219900.
Inborn genetic diseases. Identifiers: MedGen C0950123, MeSH D030342.
Nephropathic cystinosis (CTNS). Also called: Abderhalden Lignac Kaufmann disease; Abderhalden-Kaufmann-Lignac syndrome; CYSTINOSIN, DEFECT OF; LYSOSOMAL CYSTINE TRANSPORT PROTEIN, DEFECT OF. Identifiers: Orphanet 213, Orphanet 411629, MedGen C2931187, MONDO:0100151, OMIM 219800.
Cystinosis. Also called: Cystine diathesis; Cystine storage disease; Cystinoses. Identifiers: Orphanet 213, MedGen C4316899, MONDO:0016239.

Allele frequency attached by ClinVar (database versions not stated): TOPMed 0.00056; gnomAD exomes 0.00062 and 0.00112; ExAC 0.00066; gnomAD 0.00066 and 0.00072; ESP Exome Variant Server 0.00077.

Submissions (13):

Blueprint Genetics
Classification: Uncertain significance. Last evaluated: 2024-11-07. Review status: criteria provided, single submitter. Criteria: ACMG Guidelines, 2015. Collection method: clinical testing. Allele origin: germline.

Fulgent Genetics
Classification: Uncertain significance for Ocular cystinosis; Nephropathic cystinosis; Juvenile nephropathic cystinosis. Last evaluated: 2024-04-23. Review status: criteria provided, single submitter. Criteria: ACMG Guidelines, 2015. Collection method: clinical testing. Allele origin: germline.

Labcorp Genetics (formerly Invitae), Labcorp
Classification: Uncertain significance for Inborn genetic diseases; Ocular cystinosis; Juvenile nephropathic cystinosis. Last evaluated: 2022-10-17. Review status: criteria provided, single submitter. Criteria: Invitae Variant Classification Sherloc (09022015). Collection method: clinical testing. Allele origin: germline.
Comment: This sequence change replaces aspartic acid, which is acidic and polar, with asparagine, which is neutral and polar, at codon 324 of the CTNS protein (p.Asp324Asn). This variant also falls at the last nucleotide of exon 11, which is part of the consensus splice site for this exon. This variant is present in population databases (rs140326392, gnomAD 0.1%), and has an allele count higher than expected for a pathogenic variant. This variant has not been reported in the literature in individuals affected with CTNS-related conditions. ClinVar contains an entry for this variant (Variation ID: 322844). Algorithms developed to predict the effect of missense changes on protein structure and function (SIFT, PolyPhen-2, Align-GVGD) all suggest that this variant is likely to be tolerated. Variants that disrupt the consensus splice site are a relatively common cause of aberrant splicing (PMID: 17576681, 9536098). In summary, the available evidence is currently insufficient to determine the role of this variant in disease. Therefore, it has been classified as a Variant of Uncertain Significance.

CeGaT Center for Human Genetics Tuebingen
Classification: Uncertain significance. Last evaluated: 2022-10-01. Review status: criteria provided, single submitter. Criteria: CeGaT Center For Human Genetics Tuebingen Variant Classification Criteria Version 2. Collection method: clinical testing. Allele origin: germline. Affected: yes. Observed: 1 variant allele.

Illumina Laboratory Services, Illumina
Classification: Uncertain significance for Ocular cystinosis. Last evaluated: 2018-01-13. Review status: criteria provided, single submitter. Criteria: ICSL Variant Classification Criteria 13 December 2019. Collection method: clinical testing. Allele origin: germline.

Illumina Laboratory Services, Illumina
Classification: Uncertain significance for Nephropathic cystinosis. Last evaluated: 2018-01-13. Review status: criteria provided, single submitter. Criteria: ICSL Variant Classification Criteria 13 December 2019. Collection method: clinical testing. Allele origin: germline.

Natera, Inc.
Classification: Uncertain significance for Cystinosis. Last evaluated: 2019-11-11. Review status: no assertion criteria provided. Collection method: clinical testing. Allele origin: germline. Not counted in ClinVar's aggregate classification.

Dr. Peter K. Rogan Lab, Western University
No classification provided (evidence only). Condition: Clear cell carcinoma of kidney. Review status: no classification provided. Collection method: in vitro. Allele origin: not applicable. Functional consequence: retained intron. Not counted in ClinVar's aggregate classification.

Dr. Peter K. Rogan Lab, Western University
No classification provided (evidence only). Condition: Lung cancer. Review status: no classification provided. Collection method: in vitro. Allele origin: not applicable. Functional consequence: retained intron. Not counted in ClinVar's aggregate classification.

Dr. Peter K. Rogan Lab, Western University
No classification provided (evidence only). Condition: Familial cancer of breast. Review status: no classification provided. Collection method: in vitro. Allele origin: not applicable. Functional consequence: retained intron. Not counted in ClinVar's aggregate classification.

Dr. Peter K. Rogan Lab, Western University
No classification provided (evidence only). Condition: Colon adenocarcinoma. Review status: no classification provided. Collection method: in vitro. Allele origin: not applicable. Functional consequence: retained intron. Not counted in ClinVar's aggregate classification.

Dr. Peter K. Rogan Lab, Western University
No classification provided (evidence only). Condition: Thyroid cancer, nonmedullary, 1. Review status: no classification provided. Collection method: in vitro. Allele origin: not applicable. Functional consequence: retained intron. Not counted in ClinVar's aggregate classification.

Dr. Peter K. Rogan Lab, Western University
No classification provided (evidence only). Condition: Thymoma. Review status: no classification provided. Collection method: in vitro. Allele origin: not applicable. Functional consequence: retained intron. Not counted in ClinVar's aggregate classification.

Literature cited by the submitters: PubMed 17576681 (cited by Labcorp Genetics (formerly Invitae), Labcorp); PubMed 9536098 (cited by Labcorp Genetics (formerly Invitae), Labcorp).

NM_004937.3(CTNS):c.970G>A (p.Asp324Asn)

Gene: CTNS (cystinosin, lysosomal cystine transporter; plus strand). Cytogenetic location: 17p13.2.
Variant type: single nucleotide variant.
Coding change: c.970G>A on transcript NM_004937.3 (MANE Select); coding-DNA position 970, G replaced by A.
Protein change: p.Asp324Asn; replaces aspartic acid 324 with asparagine.
Molecular consequence: missense variant.
Genome position (GRCh38, 1-based): chr17:3,659,975, G>A. VCF-style: chr17-3659975-G-A. GRCh37 (hg19) VCF-style: chr17-3563269-G-A.
Other names: c.970G>A, p.Asp324Asn (NM_001031681.3, NM_001374492.1); c.529G>A, p.Asp177Asn (NM_001374493.1, NM_001374494.1, NM_001374495.1 and 1 more transcripts); short protein forms D324N, D177N.
Identifiers: ClinVar variation 322844 (VCV000322844.41), dbSNP rs140326392, ClinGen allele CA8291967.